The following is an entry in ClinVar:

NM_206933.4(USH2A):c.9565G>T (p.Ala3189Ser)

Gene: USH2A (usherin; minus strand). Cytogenetic location: 1q41.
Variant type: single nucleotide variant.
Coding change: c.9565G>T on transcript NM_206933.4 (MANE Select); coding-DNA position 9565, G replaced by T.
Protein change: p.Ala3189Ser; replaces alanine 3189 with serine.
Molecular consequence: missense variant.
Genome position (GRCh38, 1-based): chr1:215,817,002, C>A on the plus strand (G>T on the coding strand, the complement: USH2A is on the minus strand). VCF-style: chr1-215817002-C-A. GRCh37 (hg19) VCF-style: chr1-215990344-C-A.
Other names: short protein forms A3189S.
Identifiers: ClinVar variation 552654 (VCV000552654.3), dbSNP rs752996514, ClinGen allele CA1394293.

ClinVar aggregate classification (germline): Uncertain significance. Review status: criteria provided, single submitter (1 of 4 stars). 2 submissions from 2 submitters: Uncertain significance (1). 1 of the submissions does not count toward it. Last evaluated 2024-05-30.

Conditions:
Retinitis pigmentosa 39 (RP39). Identifiers: Orphanet 791, MedGen C3151138, MONDO:0013436, OMIM 613809.
Usher syndrome type 2A. Also called: RETINAL DISEASE IN USHER SYNDROME TYPE IIA, MODIFIER OF; USHER SYNDROME, TYPE IIA. Identifiers: Orphanet 231178, Orphanet 886, MedGen C1848634, MONDO:0010169, OMIM 276901.

Allele frequency attached by ClinVar (database versions not stated): gnomAD exomes below 0.00001 and 0.00001; ExAC 0.00001.
gnomAD v4.1: 2 of 1,612,336 alleles (0.00012%); highest among the groups gnomAD compares: East Asian, 0.0045%; no homozygotes.

Submissions (2):

Women's Health and Genetics/Laboratory Corporation of America, LabCorp
Classification: Uncertain significance. Last evaluated: 2024-05-30. Review status: criteria provided, single submitter. Criteria: LabCorp Variant Classification Summary - May 2015. Collection method: clinical testing. Allele origin: germline.
Comment: Variant summary: USH2A c.9565G>T (p.Ala3189Ser) results in a conservative amino acid change located in the fibronectin type III domain (IPR003961) of the encoded protein sequence. Five of five in-silico tools predict a benign effect of the variant on protein function. The variant allele was found at a frequency of 1.2e-05 in 250430 control chromosomes. The available data on variant occurrences in the general population are insufficient to allow any conclusion about variant significance. c.9565G>T has been reported in the literature in the compound heterozygous state in at least one individual affected with retinitis pigmentosa (e.g. Xu_2014). This report does not provide unequivocal conclusions about association of the variant with Usher Syndrome. To our knowledge, no experimental evidence demonstrating an impact on protein function has been reported. The following publication has been ascertained in the context of this evaluation (PMID: 24938718). ClinVar contains an entry for this variant (Variation ID: 552654). Based on the evidence outlined above, the variant was classified as uncertain significance.

Counsyl
Classification: Uncertain significance for Usher syndrome type 2A; Retinitis pigmentosa 39. Last evaluated: 2017-06-26. Review status: no assertion criteria provided. Collection method: clinical testing. Allele origin: unknown. Not counted in ClinVar's aggregate classification.

Literature cited by the submitters: PubMed 24938718 (cited by Women's Health and Genetics/Laboratory Corporation of America, LabCorp and Counsyl).